The following is an entry in ClinVar:

NM_005585.5(SMAD6):c.731T>C (p.Leu244Pro)

Gene: SMAD6 (SMAD family member 6; plus strand). Cytogenetic location: 15q22.31.
Variant type: single nucleotide variant.
Coding change: c.731T>C on transcript NM_005585.5 (MANE Select); coding-DNA position 731, T replaced by C.
Protein change: p.Leu244Pro; replaces leucine 244 with proline.
Molecular consequence: missense variant. On other transcripts: non-coding transcript variant (1).
Genome position (GRCh38, 1-based): chr15:66,703,989, T>C. VCF-style: chr15-66703989-T-C. GRCh37 (hg19) VCF-style: chr15-66996327-T-C.
Other names: c.731T>C (NM_005585.4); short protein forms L244P.
Identifiers: ClinVar variation 1679650 (VCV001679650.2), dbSNP rs1457962668, ClinGen allele CA392950128.
Genomic context (GRCh38, chr15:66,703,989, plus strand): 5'-TGCTGCTCGGCCGCCTCTTTCGCTGGCCCGACCTGCAGCACGCCGTGGAGCTGAAGCCCC[T>C]GTGCGGCTGCCACAGCTTCGCCGCCGCCGCCGACGGCCCTACCGTGTGCTGCAACCCCTA-3'
Protein context (NP_005576.3, residues 234-254): DLQHAVELKP[Leu244Pro]CGCHSFAAAA

ClinVar aggregate classification (germline): Uncertain significance. Review status: criteria provided, multiple submitters, no conflicts (2 of 4 stars). 2 submissions from 2 submitters: Uncertain significance (2). Last evaluated 2024-09-30.

Conditions:
Aortic valve disease 2 (AOVD2). Identifiers: MedGen C3542024, MONDO:0013902, OMIM 614823.
Inborn genetic diseases. Identifiers: MedGen C0950123, MeSH D030342.

Allele frequency attached by ClinVar (database versions not stated): gnomAD 0.00001.
gnomAD v4.1: 9 of 1,483,170 alleles (0.00061%); highest among the groups gnomAD compares: Admixed American, 0.0045%; no homozygotes.

Submissions (2):

Ambry Genetics
Classification: Uncertain significance for Inborn genetic diseases. Last evaluated: 2024-09-30. Review status: criteria provided, single submitter. Criteria: Ambry Variant Classification Scheme 2023. Collection method: clinical testing. Allele origin: germline.
Comment: The p.L244P variant (also known as c.731T>C), located in coding exon 1 of the SMAD6 gene, results from a T to C substitution at nucleotide position 731. The leucine at codon 244 is replaced by proline, an amino acid with similar properties. This amino acid position is conserved. In addition, this alteration is predicted to be deleterious by in silico analysis. Based on the available evidence, the clinical significance of this variant remains unclear.

New York Genome Center
Classification: Uncertain significance for Aortic valve disease 2. Last evaluated: 2021-08-09. Review status: criteria provided, single submitter. Criteria: NYGC Assertion Criteria 2020. Collection method: clinical testing. Allele origin: inherited. Observed: 1 heterozygote. Study: CSER-NYCKidSeq.